The following is an entry in ClinVar:

ClinVar aggregate classification (germline): Uncertain significance (1 of 4 stars; one submission).

Submission:

GeneDx
Classification: Uncertain significance. Last evaluated: 2025-02-03. Review status: criteria provided, single submitter. Criteria: GeneDx Variant Classification Process June 2021. Collection method: clinical testing. Allele origin: germline. Affected: yes.
Comment: Not observed at significant frequency in large population cohorts (gnomAD); In-frame deletion of 1 amino acid in a non-repeat region; In silico analysis supports a deleterious effect on protein structure/function; Has not been previously published as pathogenic or benign to our knowledge

NM_015100.4(POGZ):c.3203_3205del (p.Ser1068del)

Gene: POGZ (pogo transposable element derived with ZNF domain; minus strand). Cytogenetic location: 1q21.3.
Variant type: Deletion.
Coding change: c.3203_3205del on transcript NM_015100.4 (MANE Select); coding-DNA positions 3203 to 3205, 3 bases deleted (CCT; older notation c.3203_3205delCCT).
Protein change: p.Ser1068del; deletes serine 1068.
Molecular consequence: inframe deletion.
Genome position (GRCh38, 1-based): chr1:151,405,830-151,405,832, AGG deleted on the plus strand (CCT on the coding strand, the reverse complement: POGZ is on the minus strand); deleting any 3 consecutive bases within chr1:151,405,830-151,405,834 gives the same sequence; the c. name uses the placement nearest the transcript's 3' end. VCF-style (leftmost placement, unchanged base first): chr1-151405829-TAGG-T. GRCh37 (hg19) VCF-style: chr1-151378305-TAGG-T.
Other names: c.3176_3178del, p.Ser1059del (NM_001194937.2); c.3017_3019del, p.Ser1006del (NM_001194938.2); c.3224_3226del, p.Ser1075del (NM_001410860.1); c.2918_2920del, p.Ser973del (NM_145796.4); c.3044_3046del, p.Ser1015del (NM_207171.2); short protein forms S1006del, S1015del, S1059del, S1068del, S1075del, S973del.
Identifiers: ClinVar variation 4074512 (VCV004074512.1).